The following is an entry in ClinVar:

ClinVar aggregate classification (germline): Uncertain significance. Review status: criteria provided, multiple submitters, no conflicts (2 of 4 stars). 2 submissions from 2 submitters: Uncertain significance (2). Last evaluated 2025-05-17.

Conditions:
Inborn genetic diseases. Identifiers: MedGen C0950123, MeSH D030342.

Allele frequency attached by ClinVar (database versions not stated): gnomAD 0.00001; gnomAD exomes 0.00001; TOPMed 0.00001.

Submissions (2):

Ambry Genetics
Classification: Uncertain significance for Inborn genetic diseases. Last evaluated: 2025-05-17. Review status: criteria provided, single submitter. Criteria: Ambry Variant Classification Scheme 2023. Collection method: clinical testing. Allele origin: germline.

Labcorp Genetics (formerly Invitae), Labcorp
Classification: Uncertain significance. Last evaluated: 2023-11-21. Review status: criteria provided, single submitter. Criteria: Invitae Variant Classification Sherloc (09022015). Collection method: clinical testing. Allele origin: germline.
Comment: This sequence change replaces glutamic acid, which is acidic and polar, with lysine, which is basic and polar, at codon 469 of the NCSTN protein (p.Glu469Lys). This variant is present in population databases (rs762272345, gnomAD 0.0008%). This variant has not been reported in the literature in individuals affected with NCSTN-related conditions. Algorithms developed to predict the effect of missense changes on protein structure and function output the following: SIFT: "Not Available"; PolyPhen-2: "Benign"; Align-GVGD: "Not Available". The lysine amino acid residue is found in multiple mammalian species, which suggests that this missense change does not adversely affect protein function. In summary, the available evidence is currently insufficient to determine the role of this variant in disease. Therefore, it has been classified as a Variant of Uncertain Significance.

NM_015331.3(NCSTN):c.1405G>A (p.Glu469Lys)

Gene: NCSTN (nicastrin; plus strand). Cytogenetic location: 1q23.2.
Variant type: single nucleotide variant.
Coding change: c.1405G>A on transcript NM_015331.3 (MANE Select); coding-DNA position 1405, G replaced by A.
Protein change: p.Glu469Lys; replaces glutamic acid 469 with lysine.
Molecular consequence: missense variant.
Genome position (GRCh38, 1-based): chr1:160,355,707, G>A. VCF-style: chr1-160355707-G-A. GRCh37 (hg19) VCF-style: chr1-160325497-G-A.
Other names: c.1405G>A (NM_015331.2); c.1345G>A, p.Glu449Lys (NM_001290184.2); c.991G>A, p.Glu331Lys (NM_001290186.2); c.1405G>A, p.Glu469Lys (NM_001349729.2); short protein forms E449K, E469K, E331K.
Identifiers: ClinVar variation 2794829 (VCV002794829.4), dbSNP rs762272345, ClinGen allele CA31540800.
Genomic context (GRCh38, chr1:160,355,707, plus strand): 5'-CCTGGCAGATATTACCAGAGTATTTACGACACTGCTGAGAACATTAATGTGAGCTATCCC[G>A]AATGGCTGAGCCCTGAAGAGGACCTGAACTTTGTAACAGACACTGCCAAGGTAGCACTGA-3'
Protein context (NP_056146.1, residues 459-479): TAENINVSYP[Glu469Lys]WLSPEEDLNF